The following is an entry in ClinVar:

ClinVar aggregate classification (germline): Uncertain significance (1 of 4 stars; one submission).

Conditions:
Hypertrophic cardiomyopathy 1 (CMH1). Also called: Familial hypertrophic cardiomyopathy 1; MYH7-Related Familial Hypertrophic Cardiomyopathy. Identifiers: MedGen C3495498, MONDO:0008647, OMIM 192600.

gnomAD v4.1: 2 of 1,614,148 alleles (0.00012%); highest among the groups gnomAD compares: East Asian, 0.0022%; no homozygotes.

Submission:

3billion
Classification: Uncertain significance for Hypertrophic cardiomyopathy 1. Last evaluated: 2025-06-20. Review status: criteria provided, single submitter. Criteria: ACMG Guidelines, 2015. Collection method: clinical testing. Allele origin: germline. Affected: yes.
Comment: The variant is observed at an extremely low frequency in the gnomAD v4.1.0 dataset (total allele frequency: <0.001%). Predicted Consequence/Location: Missense variant A different missense change at the same codon (p.Leu1273Pro) has been reported to be associated with MYH7-related disorder (PMID: 24111713). However the evidence of pathogenicity is insufficient at this time. Therefore, this variant is classified as VUS according to the recommendation of ACMG/AMP guideline.

Literature cited by the submitters: PubMed 24111713.

NM_000257.4(MYH7):c.3817C>T (p.Leu1273Phe)

Gene: MYH7 (myosin heavy chain 7; minus strand). Cytogenetic location: 14q11.2.
Variant type: single nucleotide variant.
Coding change: c.3817C>T on transcript NM_000257.4 (MANE Select); coding-DNA position 3817, C replaced by T.
Protein change: p.Leu1273Phe; replaces leucine 1273 with phenylalanine.
Molecular consequence: missense variant.
Genome position (GRCh38, 1-based): chr14:23,419,519, G>A on the plus strand (C>T on the coding strand, the complement: MYH7 is on the minus strand). VCF-style: chr14-23419519-G-A. GRCh37 (hg19) VCF-style: chr14-23888728-G-A.
Other names: c.3817C>T, p.Leu1273Phe (NM_001407004.1); short protein forms L1273F.
Identifiers: ClinVar variation 4854623 (VCV004854623.1).